The following is an entry in ClinVar:

ClinVar aggregate classification (germline): Conflicting classifications of pathogenicity. Review status: criteria provided, conflicting classifications (1 of 4 stars). 2 submissions from 2 submitters: Uncertain significance (1); Likely benign (1). Last evaluated 2025-11-19.

Conditions:
Inborn genetic diseases. Identifiers: MedGen C0950123, MeSH D030342.

Allele frequency attached by ClinVar (database versions not stated): TOPMed 0.00006; ESP Exome Variant Server 0.00008; ExAC 0.00003; gnomAD exomes 0.00004; gnomAD 0.00006.
gnomAD v4.1: 70 of 1,613,894 alleles (0.0043%); highest among the groups gnomAD compares: Non-Finnish European, 0.0058%; no homozygotes.

Submissions (2):

Labcorp Genetics (formerly Invitae), Labcorp
Classification: Uncertain significance. Last evaluated: 2025-11-19. Review status: criteria provided, single submitter. Criteria: Invitae Variant Classification Sherloc (09022015). Collection method: clinical testing. Allele origin: germline.
Comment: This sequence change replaces arginine, which is basic and polar, with lysine, which is basic and polar, at codon 1338 of the SETD5 protein (p.Arg1338Lys). This variant is present in population databases (rs376057899, gnomAD 0.006%). This variant has not been reported in the literature in individuals affected with SETD5-related conditions. ClinVar contains an entry for this variant (Variation ID: 2347535). Invitae Evidence Modeling of protein sequence and biophysical properties (such as structural, functional, and spatial information, amino acid conservation, physicochemical variation, residue mobility, and thermodynamic stability) indicates that this missense variant is not expected to disrupt SETD5 protein function with a negative predictive value of 80%. In summary, the available evidence is currently insufficient to determine the role of this variant in disease. Therefore, it has been classified as a Variant of Uncertain Significance.

Ambry Genetics
Classification: Likely benign for Inborn genetic diseases. Last evaluated: 2021-09-01. Review status: criteria provided, single submitter. Criteria: Ambry Variant Classification Scheme 2023. Collection method: clinical testing. Allele origin: germline.

NM_001080517.3(SETD5):c.4013G>A (p.Arg1338Lys)

Gene: SETD5 (SET domain containing 5; plus strand). Cytogenetic location: 3p25.3.
Variant type: single nucleotide variant.
Coding change: c.4013G>A on transcript NM_001080517.3 (MANE Select); coding-DNA position 4013, G replaced by A.
Protein change: p.Arg1338Lys; replaces arginine 1338 with lysine.
Molecular consequence: missense variant.
Genome position (GRCh38, 1-based): chr3:9,475,775, G>A. VCF-style: chr3-9475775-G-A. GRCh37 (hg19) VCF-style: chr3-9517459-G-A.
Other names: c.3719G>A, p.Arg1240Lys (NM_001292043.2, NM_001349451.2); short protein forms R1240K, R1338K.
Identifiers: ClinVar variation 2347535 (VCV002347535.5), dbSNP rs376057899, ClinGen allele CA2239850.